The following is an entry in ClinVar:

ClinVar aggregate classification (germline): Uncertain significance. Review status: criteria provided, multiple submitters, no conflicts (2 of 4 stars). 2 submissions from 2 submitters: Uncertain significance (2). Last evaluated 2023-07-16.

Conditions:
Hereditary cancer-predisposing syndrome. Also called: Neoplastic Syndromes, Hereditary; Hereditary Cancer Syndrome; Tumor predisposition; Hereditary neoplastic syndrome. Identifiers: Orphanet 140162, MedGen C0027672, MeSH D009386, MONDO:0015356.
Tuberous sclerosis 2 (TSC2). Identifiers: Orphanet 805, MedGen C1860707, MONDO:0013199, OMIM 613254.

Submissions (2):

Ambry Genetics
Classification: Uncertain significance for Hereditary cancer-predisposing syndrome. Last evaluated: 2023-07-16. Review status: criteria provided, single submitter. Criteria: Ambry Variant Classification Scheme 2023. Collection method: clinical testing. Allele origin: germline.
Comment: The p.D514E variant (also known as c.1542C>G), located in coding exon 14 of the TSC2 gene, results from a C to G substitution at nucleotide position 1542. The aspartic acid at codon 514 is replaced by glutamic acid, an amino acid with highly similar properties. This amino acid position is conserved. In addition, the in silico prediction for this alteration is inconclusive. Since supporting evidence is limited at this time, the clinical significance of this alteration remains unclear.

Labcorp Genetics (formerly Invitae), Labcorp
Classification: Uncertain significance for Tuberous sclerosis 2. Last evaluated: 2020-12-07. Review status: criteria provided, single submitter. Criteria: Invitae Variant Classification Sherloc (09022015). Collection method: clinical testing. Allele origin: germline.
Comment: This variant is not present in population databases (ExAC no frequency). This sequence change replaces aspartic acid with glutamic acid at codon 514 of the TSC2 protein (p.Asp514Glu). The aspartic acid residue is highly conserved and there is a small physicochemical difference between aspartic acid and glutamic acid. This variant has not been reported in the literature in individuals with TSC2-related conditions. Advanced modeling of protein sequence and biophysical properties (such as structural, functional, and spatial information, amino acid conservation, physicochemical variation, residue mobility, and thermodynamic stability) performed at Invitae indicates that this missense variant is not expected to disrupt TSC2 protein function. In summary, the available evidence is currently insufficient to determine the role of this variant in disease. Therefore, it has been classified as a Variant of Uncertain Significance.

NM_000548.5(TSC2):c.1542C>G (p.Asp514Glu)

Gene: TSC2 (TSC complex subunit 2; plus strand). Cytogenetic location: 16p13.3.
Variant type: single nucleotide variant.
Coding change: c.1542C>G on transcript NM_000548.5 (MANE Select); coding-DNA position 1542, C replaced by G.
Protein change: p.Asp514Glu; replaces aspartic acid 514 with glutamic acid.
Molecular consequence: missense variant.
Genome position (GRCh38, 1-based): chr16:2,064,370, C>G. VCF-style: chr16-2064370-C-G. GRCh37 (hg19) VCF-style: chr16-2114371-C-G.
Other names: c.1542C>G, p.Asp514Glu (NM_001077183.3, NM_001114382.3, NM_001363528.2 and 3 more transcripts); c.1431C>G, p.Asp477Glu (NM_001318827.2); c.1395C>G, p.Asp465Glu (NM_001318829.2); c.942C>G, p.Asp314Glu (NM_001318831.2); c.1575C>G, p.Asp525Glu (NM_001318832.2); c.1542C>G (NM_000548.3); short protein forms D525E, D314E, D477E, D465E, D514E.
Identifiers: ClinVar variation 1462576 (VCV001462576.9), dbSNP rs2151190617, ClinGen allele CA394326376.